The following is an entry in ClinVar:

NM_000266.4(NDP):c.199G>A (p.Gly67Arg)

Genes: NDP (norrin cystine knot growth factor NDP; minus strand), NDP-AS1 (NDP antisense RNA 1; plus strand). Cytogenetic location: Xp11.3.
Variant type: single nucleotide variant.
Coding change: c.199G>A on transcript NM_000266.4 (MANE Select); coding-DNA position 199, G replaced by A.
Protein change: p.Gly67Arg; replaces glycine 67 with arginine.
Molecular consequence: missense variant. On other transcripts: non-coding transcript variant (1).
Genome position (GRCh38, 1-based): chrX:43,950,002, C>T on the plus strand (G>A on the coding strand, the complement: NDP is on the minus strand). VCF-style: chrX-43950002-C-T. GRCh37 (hg19) VCF-style: chrX-43809248-C-T.
Other names: short protein forms G67R.
Identifiers: ClinVar variation 1373872 (VCV001373872.8), dbSNP rs2147204853, ClinGen allele CA413007980.

ClinVar aggregate classification (germline): Uncertain significance (1 of 4 stars; one submission).

Submission:

Labcorp Genetics (formerly Invitae), Labcorp
Classification: Uncertain significance. Last evaluated: 2023-11-27. Review status: criteria provided, single submitter. Criteria: Invitae Variant Classification Sherloc (09022015). Collection method: clinical testing. Allele origin: germline.
Comment: This sequence change replaces glycine, which is neutral and non-polar, with arginine, which is basic and polar, at codon 67 of the NDP protein (p.Gly67Arg). This variant is not present in population databases (gnomAD no frequency). This missense change has been observed in individual(s) with Norrie disease (PMID: 20340138; Invitae). ClinVar contains an entry for this variant (Variation ID: 1373872). Advanced modeling of protein sequence and biophysical properties (such as structural, functional, and spatial information, amino acid conservation, physicochemical variation, residue mobility, and thermodynamic stability) has been performed at Invitae for this missense variant, however the output from this modeling did not meet the statistical confidence thresholds required to predict the impact of this variant on NDP protein function. This variant disrupts the p.Gly67 amino acid residue in NDP. Other variant(s) that disrupt this residue have been observed in individuals with NDP-related conditions (PMID: 20340138), which suggests that this may be a clinically significant amino acid residue. In summary, the available evidence is currently insufficient to determine the role of this variant in disease. Therefore, it has been classified as a Variant of Uncertain Significance.

Literature cited by the submitters: PubMed 20340138.